The following is an entry in ClinVar:

ClinVar aggregate classification (germline): Uncertain significance (1 of 4 stars; one submission).

Conditions:
Inborn genetic diseases. Identifiers: MedGen C0950123, MeSH D030342.

Submission:

Ambry Genetics
Classification: Uncertain significance for Inborn genetic diseases. Last evaluated: 2022-09-24. Review status: criteria provided, single submitter. Criteria: Ambry Variant Classification Scheme 2023. Collection method: clinical testing. Allele origin: germline.
Comment: The p.Q759H variant (also known as c.2277G>T), located in coding exon 23 of the ERCC2 gene, results from a G to T substitution at nucleotide position 2277. The glutamine at codon 759 is replaced by histidine, an amino acid with highly similar properties. This amino acid position is conserved. In addition, the in silico prediction for this alteration is inconclusive. Since supporting evidence is limited at this time, the clinical significance of this alteration remains unclear.

NM_000400.4(ERCC2):c.2277G>T (p.Gln759His)

Gene: ERCC2 (ERCC excision repair 2, TFIIH core complex helicase subunit; minus strand). Cytogenetic location: 19q13.32.
Variant type: single nucleotide variant.
Coding change: c.2277G>T on transcript NM_000400.4 (MANE Select); coding-DNA position 2277, G replaced by T.
Protein change: p.Gln759His; replaces glutamine 759 with histidine.
Molecular consequence: missense variant.
Genome position (GRCh38, 1-based): chr19:45,351,635, C>A on the plus strand (G>T on the coding strand, the complement: ERCC2 is on the minus strand). VCF-style: chr19-45351635-C-A. GRCh37 (hg19) VCF-style: chr19-45854893-C-A.
Other names: short protein forms Q759H.
Identifiers: ClinVar variation 1788877 (VCV001788877.2), dbSNP rs2513994435, ClinGen allele CA406360183.